The following is an entry in ClinVar:

NM_001378615.1(CC2D2A):c.3242del (p.Pro1081fs)

Genes: CC2D2A (coiled-coil and C2 domain containing 2A; plus strand), FBXL5 (F-box and leucine rich repeat protein 5; minus strand). Cytogenetic location: 4p15.32.
Variant type: Deletion.
Coding change: c.3242del on transcript NM_001378615.1 (MANE Select); coding-DNA position 3242, one base deleted (C; older notation c.3242delC).
Protein change: p.Pro1081fs; shifts the reading frame from proline 1081.
Molecular consequence: frameshift variant.
Genome position (GRCh38, 1-based): chr4:15,567,436, C deleted; the last of 4 consecutive C bases (chr4:15,567,433-15,567,436); deleting any one gives the same sequence. VCF-style (leftmost placement, unchanged base first): chr4-15567432-TC-T. GRCh37 (hg19) VCF-style: chr4-15569055-TC-T.
Other names: c.3242del, p.Pro1081fs (NM_001080522.2); c.3095del, p.Pro1032fs (NM_001378617.1); short protein forms P1032fs, P1081fs.
Identifiers: ClinVar variation 3751008 (VCV003751008.4).

ClinVar aggregate classification (germline): Pathogenic/Likely pathogenic. Review status: criteria provided, multiple submitters, no conflicts (2 of 4 stars). 3 submissions from 3 submitters: Pathogenic (2); Likely pathogenic (1). Last evaluated 2026-05-03.

Conditions:
CC2D2A-related disorder. Also called: CC2D2A-related condition; CC2D2A-related disorders. Identifiers: MedGen CN239313.
Joubert syndrome and related disorders. Identifiers: Orphanet 140874, MedGen C5679612, MONDO:0015369.
Joubert syndrome. Also called: JOUBERT-BOLTSHAUSER SYNDROME; Familial aplasia of the vermis. Identifiers: Orphanet 475, MedGen C5979921, MONDO:0018772.
Meckel-Gruber syndrome. Also called: DYSENCEPHALIA SPLANCHNOCYSTICA; GRUBER SYNDROME; Dysencephalia splachnocystica. Identifiers: Orphanet 564, MedGen C0265215, MONDO:0018921.

Submissions (3):

Myriad Genetics, Inc.
Classification: Pathogenic for Joubert syndrome and related disorders. Last evaluated: 2026-05-03. Review status: criteria provided, single submitter. Criteria: Myriad Autosomal Dominant, Autosomal Recessive and X-Linked Classification Criteria (2023). Collection method: clinical testing. Allele origin: unknown.
Comment: NM_001080522.2(CC2D2A):c.3242delC(P1081Qfs*18) is expected to be pathogenic in the context of CC2D2A-related disorders. This variant is predicted to lead to an abnormal or absent protein product due to the creation of a premature termination codon in CC2D2A, a gene where loss-of-function variants are known to be pathogenic. Please note: this variant was assessed in the context of healthy population screening.

Labcorp Genetics (formerly Invitae), Labcorp
Classification: Pathogenic for Joubert syndrome; Meckel-Gruber syndrome. Last evaluated: 2024-02-22. Review status: criteria provided, single submitter. Criteria: Invitae Variant Classification Sherloc (09022015). Collection method: clinical testing. Allele origin: germline.
Comment: This sequence change creates a premature translational stop signal (p.Pro1081Glnfs*18) in the CC2D2A gene. It is expected to result in an absent or disrupted protein product. Loss-of-function variants in CC2D2A are known to be pathogenic (PMID: 19777577). This variant is present in population databases (rs777865405, gnomAD 0.007%). This variant has not been reported in the literature in individuals affected with CC2D2A-related conditions. For these reasons, this variant has been classified as Pathogenic.

Blueprint Genetics
Classification: Likely pathogenic for CC2D2A-related disorders. Last evaluated: 2019-12-04. Review status: criteria provided, single submitter. Criteria: ACMG Guidelines, 2015. Collection method: clinical testing. Allele origin: germline. Affected: yes. Observed: 2 variant alleles.

Literature cited by the submitters: PubMed 19777577 (cited by Labcorp Genetics (formerly Invitae), Labcorp).